The following is an entry in ClinVar:

NM_006734.4(HIVEP2):c.7223C>T (p.Thr2408Met)

Gene: HIVEP2 (HIVEP zinc finger 2; minus strand). Cytogenetic location: 6q24.2.
Variant type: single nucleotide variant.
Coding change: c.7223C>T on transcript NM_006734.4 (MANE Select); coding-DNA position 7223, C replaced by T.
Protein change: p.Thr2408Met; replaces threonine 2408 with methionine.
Molecular consequence: missense variant.
Genome position (GRCh38, 1-based): chr6:142,753,225, G>A on the plus strand (C>T on the coding strand, the complement: HIVEP2 is on the minus strand). VCF-style: chr6-142753225-G-A. GRCh37 (hg19) VCF-style: chr6-143074362-G-A.
Other names: c.7223C>T (NM_006734.3); short protein forms T2408M.
Identifiers: ClinVar variation 1050779 (VCV001050779.2), dbSNP rs375974004, ClinGen allele CA4027552.

ClinVar aggregate classification (germline): Likely benign. Review status: criteria provided, single submitter (1 of 4 stars). 2 submissions from 2 submitters: Likely benign (1). 1 of the submissions does not count toward it. Last evaluated 2023-12-12.

Conditions:
Inborn genetic diseases. Identifiers: MedGen C0950123, MeSH D030342.

Allele frequency attached by ClinVar (database versions not stated): TOPMed 0.00002; ESP Exome Variant Server 0.00008; gnomAD exomes 0.00003 and 0.00007; gnomAD 0.00001; ExAC 0.00004.
gnomAD v4.1: 95 of 1,613,872 alleles (0.0059%); highest among the groups gnomAD compares: Non-Finnish European, 0.0077%; no homozygotes.

Submissions (2):

Ambry Genetics
Classification: Likely benign for Inborn genetic diseases. Last evaluated: 2023-12-12. Review status: criteria provided, single submitter. Criteria: Ambry Variant Classification Scheme 2023. Collection method: clinical testing. Allele origin: germline.

Department of Pathology and Laboratory Medicine, Sinai Health System
Classification: Likely benign. Review status: no assertion criteria provided. Collection method: clinical testing. Allele origin: unknown. Affected: yes. Study: The Canadian Open Genetics Repository (COGR). Not counted in ClinVar's aggregate classification.
Comment: The HIVEP2 p.Thr2408Met variant was not identified in the literature nor was it identified in ClinVar. The variant was identified in dbSNP (ID: rs375974004) and in control databases in 7 of 249198 chromosomes at a frequency of 0.00002809 (Genome Aggregation Database March 6, 2019, v2.1.1). The variant was observed in the European (non-Finnish) population in 7 of 112962 chromosomes (freq: 0.000062), but was not observed in the African, Latino, Ashkenazi Jewish, East Asian, European (Finnish), Other, or South Asian populations. The frequency is greater than expected for rare mental retardation, autosomal dominant 43. The p.Thr2408 residue is conserved in mammals and computational analyses (PolyPhen-2, SIFT, AlignGVGD, BLOSUM, MutationTaster) provide inconsistent predictions regarding the impact to the protein; this information is not very predictive of pathogenicity. The variant occurs outside of the splicing consensus sequence and 1 of 4 in silico or computational prediction software programs (SpliceSiteFinder, MaxEntScan, NNSPLICE, GeneSplicer) predict a greater than 10% difference in splicing; this is not very predictive of pathogenicity. In summary, based on the above information the clinical significance of this variant cannot be determined with certainty at this time although we would lean towards a more benign role for this variant. This variant is classified as likely benign.